The following is an entry in ClinVar:

ClinVar aggregate classification (germline): Uncertain significance (1 of 4 stars; one submission).

Conditions:
Cardiovascular phenotype. Identifiers: MedGen CN230736.

Submission:

Ambry Genetics
Classification: Uncertain significance for Cardiovascular phenotype. Last evaluated: 2026-05-01. Review status: criteria provided, single submitter. Criteria: Ambry Variant Classification Scheme 2023. Collection method: clinical testing. Allele origin: germline.
Comment: The c.1488+5G>T intronic variant results from a G to T substitution 5 nucleotides after coding exon 8 in the LMNA gene. This nucleotide position is highly conserved in available vertebrate species. In silico splice site analysis predicts that this alteration will result in the creation or strengthening of a novel splice donor site. Based on the available evidence, the clinical significance of this variant remains unclear.

NM_170707.4(LMNA):c.1488+5G>T

Gene: LMNA (lamin A/C; plus strand). Cytogenetic location: 1q22.
Variant type: single nucleotide variant.
Coding change: c.1488+5G>T on transcript NM_170707.4 (MANE Select); 5 bases into the intron after coding-DNA position 1488, G replaced by T.
Molecular consequence: intron variant.
Genome position (GRCh38, 1-based): chr1:156,137,033, G>T. VCF-style: chr1-156137033-G-T. GRCh37 (hg19) VCF-style: chr1-156106824-G-T.
Other names: c.1488+5G>T (NM_001406983.1, NM_001282625.2, NM_001406984.1 and 6 more transcripts); c.930+5G>T (NM_001407002.1, NM_001406993.1, NM_001407003.1 and 4 more transcripts); c.864+5G>T (NM_001406999.1, NM_001407000.1, NM_001406994.1 and 1 more transcripts); c.1245+5G>T (NM_001406986.1, NM_001406987.1, NM_001282624.2); c.1152+5G>T (NM_001406989.1, NM_001257374.3, NM_001406998.1); c.1191+5G>T (NM_001406988.1).
Identifiers: ClinVar variation 4859233 (VCV004859233.1).
Genomic context (GRCh38, chr1:156,137,033, plus strand): 5'-TGCTGACTTACCGGTTCCCACCAAAGTTCACCCTGAAGGCTGGGCAGGTGGTGACGGTGA[G>T]TGGCAGGGCGCTTGGGACTCTGGGGAGGCCTTGGGTGGCGATGGGAGCGCTGGGGTAAGT-3'